The following is an entry in ClinVar:

ClinVar aggregate classification (germline): Uncertain significance (1 of 4 stars; one submission).

Conditions:
Hereditary cancer-predisposing syndrome. Also called: Neoplastic Syndromes, Hereditary; Tumor predisposition; Hereditary Cancer Syndrome; Hereditary neoplastic syndrome. Identifiers: Orphanet 140162, MedGen C0027672, MeSH D009386, MONDO:0015356.

Allele frequency attached by ClinVar (database versions not stated): gnomAD exomes below 0.00001.
gnomAD v4.1: 2 of 1,612,658 alleles (0.00012%); highest among the groups gnomAD compares: Non-Finnish European, 0.00017%; no homozygotes.

Submission:

Ambry Genetics
Classification: Uncertain significance for Hereditary cancer-predisposing syndrome. Last evaluated: 2015-05-10. Review status: criteria provided, single submitter. Criteria: Ambry Variant Classification Scheme 2023. Collection method: clinical testing. Allele origin: germline.
Comment: The p.S336T variant (also known as c.1006T>A), located in coding exon 7 of the RAD50 gene, results from a T to A substitution at nucleotide position 1006. The serine at codon 336 is replaced by threonine, an amino acid with similar properties. This variant was not reported in population based cohorts in the following databases: Database of Single Nucleotide Polymorphisms (dbSNP), NHLBI Exome Sequencing Project (ESP), and 1000 Genomes Project. In the ESP, this variant was not observed in 6502 samples (13004 alleles) with coverage at this position. To date, this alteration has been detected with an allele frequency of approximately 0.002% (greater than 65000 alleles tested) in our clinical cohort. This amino acid position is not well conserved in available vertebrate species. In addition, this alteration is predicted to be tolerated by in silico analysis. Since supporting evidence is limited at this time, the clinical significance of this variant remains unclear.

NM_005732.4(RAD50):c.1006T>A (p.Ser336Thr)

Gene: RAD50 (RAD50 double strand break repair protein; plus strand). Cytogenetic location: 5q31.1.
Variant type: single nucleotide variant.
Coding change: c.1006T>A on transcript NM_005732.4 (MANE Select); coding-DNA position 1006, T replaced by A.
Protein change: p.Ser336Thr; replaces serine 336 with threonine.
Molecular consequence: missense variant.
Genome position (GRCh38, 1-based): chr5:132,588,044, T>A. VCF-style: chr5-132588044-T-A. GRCh37 (hg19) VCF-style: chr5-131923736-T-A.
Other names: short protein forms S336T.
Identifiers: ClinVar variation 231800 (VCV000231800.5), dbSNP rs876659375, ClinGen allele CA10578508.
Genomic context (GRCh38, chr5:132,588,044, plus strand): 5'-AGGGAGAAAGAAAGGAAATTGGTAGACTGTCATCGTGAACTGGAAAAACTAAATAAAGAA[T>A]CTAGGCTTCTCAATCAGGAAAAATCAGAACTGCTTGTTGAACAGGGTAGGACAAAATGTT-3'
Protein context (NP_005723.2, residues 326-346): HRELEKLNKE[Ser336Thr]RLLNQEKSEL